The following is an entry in ClinVar:

NM_001256789.3(CACNA1F):c.3833G>T (p.Arg1278Leu)

Gene: CACNA1F (calcium voltage-gated channel subunit alpha1 F; minus strand). Cytogenetic location: Xp11.23.
Variant type: single nucleotide variant.
Coding change: c.3833G>T on transcript NM_001256789.3 (MANE Select); coding-DNA position 3833, G replaced by T.
Protein change: p.Arg1278Leu; replaces arginine 1278 with leucine.
Molecular consequence: missense variant.
Genome position (GRCh38, 1-based): chrX:49,212,776, C>A on the plus strand (G>T on the coding strand, the complement: CACNA1F is on the minus strand). VCF-style: chrX-49212776-C-A. GRCh37 (hg19) VCF-style: chrX-49069236-C-A.
Other names: c.3671G>T, p.Arg1224Leu (NM_001256790.3); c.3866G>T, p.Arg1289Leu (NM_005183.4); short protein forms R1224L, R1289L, R1278L.
Identifiers: ClinVar variation 3660514 (VCV003660514.2).

ClinVar aggregate classification (germline): Uncertain significance (1 of 4 stars; one submission).

Submission:

Labcorp Genetics (formerly Invitae), Labcorp
Classification: Uncertain significance. Last evaluated: 2025-02-20. Review status: criteria provided, single submitter. Criteria: Invitae Variant Classification Sherloc (09022015). Collection method: clinical testing. Allele origin: germline.
Comment: This sequence change replaces arginine, which is basic and polar, with leucine, which is neutral and non-polar, at codon 1289 of the CACNA1F protein (p.Arg1289Leu). This variant is not present in population databases (gnomAD no frequency). This variant has not been reported in the literature in individuals affected with CACNA1F-related conditions. Invitae Evidence Modeling of protein sequence and biophysical properties (such as structural, functional, and spatial information, amino acid conservation, physicochemical variation, residue mobility, and thermodynamic stability) indicates that this missense variant is not expected to disrupt CACNA1F protein function with a negative predictive value of 80%. In summary, the available evidence is currently insufficient to determine the role of this variant in disease. Therefore, it has been classified as a Variant of Uncertain Significance.